The following continues an entry in ClinVar:

NM_000371.4(TTR):c.190T>C (p.Phe64Leu)

Gene: TTR. ClinVar aggregate classification (germline): Conflicting classifications of pathogenicity. Likely pathogenic (2); Uncertain significance (9); Likely benign (2).

Submissions 10 to 13 of 13:

Laboratory for Molecular Medicine, Mass General Brigham Personalized Medicine
Classification: Uncertain significance. Last evaluated: 2021-04-06. Review status: criteria provided, single submitter. Criteria: LMM Criteria. Collection method: clinical testing. Allele origin: germline. Observed: 1 variant allele.
Comment: Variant classified as Uncertain Significance - Favor Pathogenic. The p.Phe64Leu variant in TTR has been reported in at least 17 individuals with amyloidosis, including one homozygote and one compound heterozygote for another pathogenic TTR missesne variant which suggests that this variant may not be the primary cause of disease in this individual.(Ferlini 1996 PMID: 8721565, Comenzo 2006 PMID: 16439680, Connors 2009 PMID: 19781421, Cappellari 2011 PMID: 21692911, Klein 2011 PMID: 20937937, Rapezzi 2011 PMID: 21679902, Luigetti 2012 PMID: 22592564). It has also been reported in two individuals with hypertrophic cardiomyopathy (Walsh 2017 PMID: 27532257 Hoss 2020 PMID: 32150461, LMM data). It has been identified in 0.06% (14/24960) of African American chromosomes by gnomAD. This variant has also been reported in ClinVar (Variation ID 178280). Computational prediction tools and conservation analyses do not provide strong support for or against an impact to the protein. In vitro functional studies provide some evidence that this variant impacts protein function (Altland 2007 PMID: 17503405); however, these types of assays may not accurately represent biological function. Additional variants involving this codon (p.Phe64Ser and p.Phe64Tyr) have been identified in individuals with amyloidosis. In summary, while there is some suspicion for a pathogenic role, the clinical significance of this variant is uncertain: ACMG/AMP Criteria applied: PS4, PS3_Supporting.

Blueprint Genetics
Classification: Uncertain significance. Last evaluated: 2021-03-10. Review status: criteria provided, single submitter. Criteria: ACMG Guidelines, 2015. Collection method: clinical testing. Allele origin: germline.

CHEO Genetics Diagnostic Laboratory, Children's Hospital of Eastern Ontario
Classification: Uncertain significance for Cardiomyopathy. Last evaluated: 2020-07-08. Review status: criteria provided, single submitter. Criteria: ACMG Guidelines, 2015. Collection method: clinical testing. Allele origin: germline.

Molecular Genetics Laboratory, London Health Sciences Centre
Classification: Likely pathogenic for Charcot-Marie-Tooth disease. Review status: criteria provided, single submitter. Criteria: ACMG Guidelines, 2015. Collection method: clinical testing. Allele origin: germline. Affected: yes.

Literature cited by the submitters: PubMed 14627687 (cited by Ambry Genetics); PubMed 19781421 (cited by 5 submitters); PubMed 27532257 (cited by 4 submitters); PubMed 30193540 (cited by 3 submitters); PubMed 9818883 (cited by Ambry Genetics); PubMed 36597836 (cited by Athena Diagnostics and Mayo Clinic Laboratories, Mayo Clinic); PubMed 32217467 (cited by Athena Diagnostics and Mayo Clinic Laboratories, Mayo Clinic); PubMed 38523305 (cited by Athena Diagnostics and Mayo Clinic Laboratories, Mayo Clinic); PubMed 25044787 (cited by Athena Diagnostics and Mayo Clinic Laboratories, Mayo Clinic); PubMed 39575713 (cited by Athena Diagnostics); PubMed 29447731 (cited by Athena Diagnostics); PubMed 28494620 (cited by Athena Diagnostics and Mayo Clinic Laboratories, Mayo Clinic); PubMed 32150461 (cited by Athena Diagnostics and Mayo Clinic Laboratories, Mayo Clinic); PubMed 30638075 (cited by Athena Diagnostics); PubMed 32376792 (cited by Athena Diagnostics and Mayo Clinic Laboratories, Mayo Clinic); PubMed 25611685 (cited by Athena Diagnostics); PubMed 24184229 (cited by Athena Diagnostics and Mayo Clinic Laboratories, Mayo Clinic); PubMed 32653448 (cited by Athena Diagnostics and Mayo Clinic Laboratories, Mayo Clinic); PubMed 29048471 (cited by Athena Diagnostics and Mayo Clinic Laboratories, Mayo Clinic); PubMed 28605421 (cited by Athena Diagnostics and Mayo Clinic Laboratories, Mayo Clinic); PubMed 27143678 (cited by Athena Diagnostics); PubMed 29550324 (cited by Athena Diagnostics); PubMed 30486686 (cited by Athena Diagnostics); PubMed 28728692 (cited by Athena Diagnostics and Mayo Clinic Laboratories, Mayo Clinic); PubMed 24767411 (cited by Mayo Clinic Laboratories, Mayo Clinic); PubMed 25743445 (cited by Mayo Clinic Laboratories, Mayo Clinic); PubMed 29680336 (cited by Mayo Clinic Laboratories, Mayo Clinic); PubMed 30683924 (cited by Mayo Clinic Laboratories, Mayo Clinic); PubMed 32512488 (cited by Mayo Clinic Laboratories, Mayo Clinic); PubMed 36648052 (cited by Mayo Clinic Laboratories, Mayo Clinic); PubMed 17503405 (cited by Women's Health and Genetics/Laboratory Corporation of America, LabCorp); PubMed 31864976 (cited by Women's Health and Genetics/Laboratory Corporation of America, LabCorp).